The following is an entry in ClinVar:

ClinVar aggregate classification (germline): Likely pathogenic (1 of 4 stars; one submission).

Conditions:
Primary ciliary dyskinesia. Also called: Ciliary dyskinesia. Identifiers: Orphanet 244, MedGen C0008780, MONDO:0016575, HP:0012265.

Submission:

Labcorp Genetics (formerly Invitae), Labcorp
Classification: Likely pathogenic for Primary ciliary dyskinesia. Last evaluated: 2024-10-26. Review status: criteria provided, single submitter. Criteria: Invitae Variant Classification Sherloc (09022015). Collection method: clinical testing. Allele origin: germline.
Comment: This sequence change affects a donor splice site in intron 10 of the ZMYND10 gene. It is expected to disrupt RNA splicing. Variants that disrupt the donor or acceptor splice site typically lead to a loss of protein function (PMID: 16199547), and loss-of-function variants in ZMYND10 are known to be pathogenic (PMID: 23891469, 23891471). This variant is not present in population databases (gnomAD no frequency). This variant has not been reported in the literature in individuals affected with ZMYND10-related conditions. Algorithms developed to predict the effect of sequence changes on RNA splicing suggest that this variant may disrupt the consensus splice site. In summary, the currently available evidence indicates that the variant is pathogenic, but additional data are needed to prove that conclusively. Therefore, this variant has been classified as Likely Pathogenic.

Literature cited by the submitters: PubMed 16199547; PubMed 23891469; PubMed 23891471.

NM_015896.4(ZMYND10):c.1121+1G>A

Gene: ZMYND10 (zinc finger MYND-type containing 10; minus strand). Cytogenetic location: 3p21.31.
Variant type: single nucleotide variant.
Coding change: c.1121+1G>A on transcript NM_015896.4 (MANE Select); the canonical splice donor site of the intron after coding-DNA position 1121, G replaced by A.
Molecular consequence: splice donor variant.
Genome position (GRCh38, 1-based): chr3:50,341,809, C>T on the plus strand (G>A on the coding strand, the complement: ZMYND10 is on the minus strand). VCF-style: chr3-50341809-C-T. GRCh37 (hg19) VCF-style: chr3-50379240-C-T.
Other names: c.1106+1G>A (NM_001308379.2).
Identifiers: ClinVar variation 3723415 (VCV003723415.2).